The following is an entry in ClinVar:

ClinVar aggregate classification (germline): Uncertain significance (1 of 4 stars; one submission).

Conditions:
Cardiovascular phenotype. Identifiers: MedGen CN230736.

Allele frequency attached by ClinVar (database versions not stated): TOPMed 0.00002; gnomAD 0.00003.
gnomAD v4.1: 14 of 1,565,218 alleles (0.00089%); highest among the groups gnomAD compares: African/African-American, 0.011%; 1 homozygote.

Submission:

Ambry Genetics
Classification: Uncertain significance for Cardiovascular phenotype. Last evaluated: 2025-07-30. Review status: criteria provided, single submitter. Criteria: Ambry Variant Classification Scheme 2023. Collection method: clinical testing. Allele origin: germline.
Comment: The p.A38V variant (also known as c.113C>T), located in coding exon 1 of the LMF1 gene, results from a C to T substitution at nucleotide position 113. The alanine at codon 38 is replaced by valine, an amino acid with similar properties. This amino acid position is conserved. In addition, this alteration is predicted to be tolerated by in silico analysis. Since supporting evidence is limited at this time, the clinical significance of this alteration remains unclear.

NM_022773.4(LMF1):c.113C>T (p.Ala38Val)

Genes: LMF1 (lipase maturation factor 1; minus strand), LOC130058141 (ATAC-STARR-seq lymphoblastoid silent region 6962; plus strand). Cytogenetic location: 16p13.3.
Variant type: single nucleotide variant.
Coding change: c.113C>T on transcript NM_022773.4 (MANE Select); coding-DNA position 113, C replaced by T.
Protein change: p.Ala38Val; replaces alanine 38 with valine.
Molecular consequence: missense variant. On other transcripts: 5 prime UTR variant (1), non-coding transcript variant (1), intron variant (3).
Genome position (GRCh38, 1-based): chr16:970,868, G>A on the plus strand (C>T on the coding strand, the complement: LMF1 is on the minus strand). VCF-style: chr16-970868-G-A. GRCh37 (hg19) VCF-style: chr16-1020868-G-A.
Other names: c.113C>T, p.Ala38Val (NM_001352020.1); c.-593C>T (NM_001352021.2); c.-135+10277C>T (NM_001352019.2); c.-611+10277C>T (NM_001352017.2); c.-362+10277C>T (NM_001352018.2); short protein forms A38V.
Identifiers: ClinVar variation 2624769 (VCV002624769.3), dbSNP rs772359935, ClinGen allele CA394111254.